The following is an entry in ClinVar:

NM_024721.5(ZFHX4):c.3550G>C (p.Ala1184Pro)

Gene: ZFHX4 (zinc finger homeobox 4; plus strand). Cytogenetic location: 8q21.13.
Variant type: single nucleotide variant.
Coding change: c.3550G>C on transcript NM_024721.5 (MANE Select); coding-DNA position 3550, G replaced by C.
Protein change: p.Ala1184Pro; replaces alanine 1184 with proline.
Molecular consequence: missense variant.
Genome position (GRCh38, 1-based): chr8:76,849,033, G>C. VCF-style: chr8-76849033-G-C. GRCh37 (hg19) VCF-style: chr8-77761269-G-C.
Other names: c.3472G>C, p.Ala1158Pro (NM_001410934.1); short protein forms A1158P, A1184P.
Identifiers: ClinVar variation 3038793 (VCV003038793.11), dbSNP rs200099866, ClinGen allele CA4787308.

ClinVar aggregate classification (germline): Benign/Likely benign. Review status: criteria provided, multiple submitters, no conflicts (2 of 4 stars). 3 submissions from 3 submitters: Benign (1); Likely benign (1). 1 of the submissions does not count toward it. Last evaluated 2026-05-01.

Conditions:
ZFHX4-related disorder. Also called: ZFHX4-related condition.

Allele frequency attached by ClinVar (database versions not stated): 1000 Genomes Project 30x 0.00031; 1000 Genomes Project 0.00040; ESP Exome Variant Server 0.00068; gnomAD exomes 0.00090; gnomAD 0.00097; TOPMed 0.00108; ExAC 0.00291.
gnomAD v4.1: 1,519 of 1,560,246 alleles (0.097%); highest among the groups gnomAD compares: Middle Eastern, 2.4%; 13 homozygotes.

Submissions (3):

CeGaT Center for Human Genetics Tuebingen
Classification: Benign. Last evaluated: 2026-05-01. Review status: criteria provided, single submitter. Criteria: CeGaT Center For Human Genetics Tuebingen Variant Classification Criteria Version 2. Collection method: clinical testing. Allele origin: germline. Affected: yes. Observed: 2 variant alleles.
Comment: ZFHX4: BP4, BS1, BS2

Blueprint Genetics
Classification: Likely benign. Last evaluated: 2024-11-27. Review status: criteria provided, single submitter. Criteria: ACMG Guidelines, 2015. Collection method: clinical testing. Allele origin: germline.

PreventionGenetics, part of Exact Sciences
Classification: Benign for ZFHX4-related condition. Last evaluated: 2019-05-21. Review status: no assertion criteria provided. Collection method: clinical testing. Allele origin: germline. Not counted in ClinVar's aggregate classification.
Comment: This variant is classified as benign based on ACMG/AMP sequence variant interpretation guidelines (Richards et al. 2015 PMID: 25741868, with internal and published modifications).